The following is an entry in ClinVar:

ClinVar aggregate classification (germline): Uncertain significance (1 of 4 stars; one submission).

Conditions:
Hereditary cancer-predisposing syndrome. Also called: Tumor predisposition; Neoplastic Syndromes, Hereditary; Hereditary neoplastic syndrome; Hereditary Cancer Syndrome. Identifiers: Orphanet 140162, MedGen C0027672, MeSH D009386, MONDO:0015356.

Submission:

Ambry Genetics
Classification: Uncertain significance for Hereditary cancer-predisposing syndrome. Last evaluated: 2025-08-27. Review status: criteria provided, single submitter. Criteria: Ambry Variant Classification Scheme 2023. Collection method: clinical testing. Allele origin: germline.
Comment: The p.N394Y variant (also known as c.1180A>T), located in coding exon 12 of the MUTYH gene, results from an A to T substitution at nucleotide position 1180. The asparagine at codon 394 is replaced by tyrosine, an amino acid with dissimilar properties. This amino acid position is conserved. In addition, the in silico prediction for this alteration is inconclusive. Based on the available evidence, the clinical significance of this variant remains unclear.

NM_001048174.2(MUTYH):c.1096A>T (p.Asn366Tyr)

Gene: MUTYH (mutY DNA glycosylase; minus strand). Cytogenetic location: 1p34.1.
Variant type: single nucleotide variant.
Coding change: c.1096A>T on transcript NM_001048174.2 (MANE Select); coding-DNA position 1096, A replaced by T.
Protein change: p.Asn366Tyr; replaces asparagine 366 with tyrosine.
Molecular consequence: missense variant. On other transcripts: non-coding transcript variant (7).
Genome position (GRCh38, 1-based): chr1:45,331,667, T>A on the plus strand (A>T on the coding strand, the complement: MUTYH is on the minus strand). VCF-style: chr1-45331667-T-A. GRCh37 (hg19) VCF-style: chr1-45797339-T-A.
Other names: c.820A>T, p.Asn274Tyr (NM_001293192.2, NM_001293196.2, NM_001407091.1); c.1096A>T, p.Asn366Tyr (NM_001293195.2, NM_001407070.1, NM_001407072.1 and 6 more transcripts); c.751A>T, p.Asn251Tyr (NM_001350650.2, NM_001350651.2, NM_001407082.1); c.1129A>T, p.Asn377Tyr (NM_001407069.1, NM_001293191.2, NM_001407077.1); c.1099A>T, p.Asn367Tyr (NM_001407071.1, NM_001407086.1, NM_001048172.2 and 1 more transcripts); c.1117A>T, p.Asn373Tyr (NM_001407087.1); c.1171A>T, p.Asn391Tyr (NM_012222.3); c.1180A>T, p.Asn394Tyr (NM_001128425.2); and 5 more; short protein forms N251Y, N353Y, N373Y, N391Y, N394Y, N274Y, N367Y, N380Y.
Identifiers: ClinVar variation 4113080 (VCV004113080.1).